The following is an entry in ClinVar:

NM_001077653.2(TBX20):c.450G>C (p.Met150Ile)

Gene: TBX20 (T-box transcription factor 20; minus strand). Cytogenetic location: 7p14.2.
Variant type: single nucleotide variant.
Coding change: c.450G>C on transcript NM_001077653.2 (MANE Select); coding-DNA position 450, G replaced by C.
Protein change: p.Met150Ile; replaces methionine 150 with isoleucine.
Molecular consequence: missense variant.
Genome position (GRCh38, 1-based): chr7:35,248,772, C>G on the plus strand (G>C on the coding strand, the complement: TBX20 is on the minus strand). VCF-style: chr7-35248772-C-G. GRCh37 (hg19) VCF-style: chr7-35288384-C-G.
Other names: c.450G>C, p.Met150Ile (NM_001166220.1); short protein forms M150I.
Identifiers: ClinVar variation 1741108 (VCV001741108.2), dbSNP rs1369680808, ClinGen allele CA367264716.

ClinVar aggregate classification (germline): Uncertain significance (1 of 4 stars; one submission).

Conditions:
Cardiovascular phenotype. Identifiers: MedGen CN230736.

Allele frequency attached by ClinVar (database versions not stated): gnomAD exomes below 0.00001.

Submission:

Ambry Genetics
Classification: Uncertain significance for Cardiovascular phenotype. Last evaluated: 2020-01-28. Review status: criteria provided, single submitter. Criteria: Ambry Variant Classification Scheme 2023. Collection method: clinical testing. Allele origin: germline.
Comment: The p.M150I variant (also known as c.450G>C), located in coding exon 3 of the TBX20 gene, results from a G to C substitution at nucleotide position 450. The methionine at codon 150 is replaced by isoleucine, an amino acid with highly similar properties. This amino acid position is highly conserved in available vertebrate species. In addition, this alteration is predicted to be deleterious by in silico analysis. Since supporting evidence is limited at this time, the clinical significance of this alteration remains unclear.